The following is an entry in ClinVar:

NM_031935.3(HMCN1):c.14750G>A (p.Arg4917His)

Gene: HMCN1 (hemicentin 1; plus strand). Cytogenetic location: 1q31.1.
Variant type: single nucleotide variant.
Coding change: c.14750G>A on transcript NM_031935.3 (MANE Select); coding-DNA position 14750, G replaced by A.
Protein change: p.Arg4917His; replaces arginine 4917 with histidine.
Molecular consequence: missense variant.
Genome position (GRCh38, 1-based): chr1:186,151,341, G>A. VCF-style: chr1-186151341-G-A. GRCh37 (hg19) VCF-style: chr1-186120473-G-A.
Other names: short protein forms R4917H.
Identifiers: ClinVar variation 3606722 (VCV003606722.2).
Genomic context (GRCh38, chr1:186,151,341, plus strand): 5'-TAACTGATAGCCCTAACTCTGATACTAGAATAATACGTGCCAAAATTACCAATGTACCTC[G>A]TAGTCTTGGTAAGTCTTTGCCTCAAGCCTCTTTTTAAAAACTTATATATTATTCTTCATC-3'
Protein context (NP_114141.2, residues 4907-4927): IIRAKITNVP[Arg4917His]SLGSAMRKIV

ClinVar aggregate classification (germline): Uncertain significance (1 of 4 stars; one submission).

gnomAD v4.1: 31 of 1,612,970 alleles (0.0019%); highest among the groups gnomAD compares: South Asian, 0.0099%; no homozygotes.

Submission:

Labcorp Genetics (formerly Invitae), Labcorp
Classification: Uncertain significance. Last evaluated: 2024-09-19. Review status: criteria provided, single submitter. Criteria: Invitae Variant Classification Sherloc (09022015). Collection method: clinical testing. Allele origin: germline.
Comment: This sequence change replaces arginine, which is basic and polar, with histidine, which is basic and polar, at codon 4917 of the HMCN1 protein (p.Arg4917His). This variant is present in population databases (rs771157396, gnomAD 0.02%). This variant has not been reported in the literature in individuals affected with HMCN1-related conditions. An algorithm developed to predict the effect of missense changes on protein structure and function (PolyPhen-2) suggests that this variant is likely to be disruptive. In summary, the available evidence is currently insufficient to determine the role of this variant in disease. Therefore, it has been classified as a Variant of Uncertain Significance.